The following is an entry in ClinVar:

NM_005629.4(SLC6A8):c.1478T>C (p.Val493Ala)

Gene: SLC6A8 (solute carrier family 6 member 8; plus strand). Cytogenetic location: Xq28.
Variant type: single nucleotide variant.
Coding change: c.1478T>C on transcript NM_005629.4 (MANE Select); coding-DNA position 1478, T replaced by C.
Protein change: p.Val493Ala; replaces valine 493 with alanine.
Molecular consequence: missense variant.
Genome position (GRCh38, 1-based): chrX:153,694,429, T>C. VCF-style: chrX-153694429-T-C. GRCh37 (hg19) VCF-style: chrX-152959884-T-C.
Other names: c.1448T>C, p.Val483Ala (NM_001142805.2); c.1133T>C, p.Val378Ala (NM_001142806.1); short protein forms V378A, V483A, V493A.
Identifiers: ClinVar variation 2500087 (VCV002500087.1), dbSNP rs2522167647, ClinGen allele CA415087850.

ClinVar aggregate classification (germline): Uncertain significance (1 of 4 stars; one submission).

Conditions:
Creatine transporter deficiency (CCDS1). Also called: Mental retardation , X-linked with seizures, short stature and midface hypoplasia; Mental retardation , X-linked, with creatine transport deficiency; X-linked creatine transporter deficiency; X-linked creatine deficiency syndrome; SLC6A8-Related Creatine Transporter Deficiency; CREATINE TRANSPORTER DEFECT. Identifiers: Orphanet 52503, MedGen C1845862, MONDO:0010305, OMIM 300352.

Submission:

Center for Genomics, Ann and Robert H. Lurie Children's Hospital of Chicago
Classification: Uncertain significance for Creatine transporter deficiency. Last evaluated: 2022-12-12. Review status: criteria provided, single submitter. Criteria: ACMG Guidelines, 2015. Collection method: clinical testing. Allele origin: germline.
Comment: This variant has not been reported in the literature and is not present in large control databases. This variant amino acid Alanine (Ala) is present in several species and is not well conserved among evolutionarily distant species; this suggests that this variant may not impact the protein. Additional computational prediction tools do not suggest an impact. In summary, data on this variant is insufficient for disease classification. Therefore, the clinical significance of this variant is uncertain.